The following is an entry in ClinVar:

ClinVar aggregate classification (germline): Benign/Likely benign. Review status: criteria provided, multiple submitters, no conflicts (2 of 4 stars). 5 submissions from 5 submitters: Benign (2); Likely benign (2). 1 of the submissions does not count toward it. Last evaluated 2019-12-26.

Allele frequency attached by ClinVar (database versions not stated): 1000 Genomes Project 30x 0.00344; 1000 Genomes Project 0.00379; ESP Exome Variant Server 0.00415; ExAC 0.00454; TOPMed 0.00465; gnomAD 0.00471 and 0.00474; gnomAD exomes 0.00477 and 0.00648.
gnomAD v4.1: 9,002 of 1,421,380 alleles (0.63%); highest among the groups gnomAD compares: Non-Finnish European, 0.76%; 34 homozygotes.

Submissions (5):

GeneDx
Classification: Likely benign. Last evaluated: 2019-12-26. Review status: criteria provided, single submitter. Criteria: GeneDx Variant Classification Process June 2021. Collection method: clinical testing. Allele origin: germline. Affected: yes.

Eurofins Ntd Llc (ga)
Classification: Benign. Last evaluated: 2012-11-15. Review status: criteria provided, single submitter. Criteria: EGL Classification Definitions 2015. Collection method: clinical testing. Allele origin: germline. Observed: 1 variant allele, 1 heterozygote.

Breakthrough Genomics
Classification: Likely benign. Review status: criteria provided, single submitter. Criteria: ACMG Guidelines, 2015. Collection method: not provided. Allele origin: germline. Inheritance: Autosomal recessive inheritance. Affected: yes.

PreventionGenetics, part of Exact Sciences
Classification: Benign. Review status: criteria provided, single submitter. Criteria: ACMG Guidelines, 2015. Collection method: clinical testing. Allele origin: germline.

Genetic Services Laboratory, University of Chicago
Classification: Likely benign. Review status: no assertion criteria provided. Collection method: clinical testing. Allele origin: germline. Inheritance: Autosomal recessive inheritance. Not counted in ClinVar's aggregate classification.
Comment: Likely benign based on allele frequency in 1000 Genomes Project or ESP global frequency and its presence in a patient with a rare or unrelated disease phenotype. NOT Sanger confirmed

NM_133642.5(LARGE1):c.892+50C>T

Gene: LARGE1 (LARGE xylosyl- and glucuronyltransferase 1; minus strand). Cytogenetic location: 22q12.3.
Variant type: single nucleotide variant.
Coding change: c.892+50C>T on transcript NM_133642.5 (MANE Select); 50 bases into the intron after coding-DNA position 892, C replaced by T.
Molecular consequence: intron variant.
Genome position (GRCh38, 1-based): chr22:33,432,111, G>A on the plus strand (C>T on the coding strand, the complement: LARGE1 is on the minus strand). VCF-style: chr22-33432111-G-A. GRCh37 (hg19) VCF-style: chr22-33828097-G-A.
Other names: c.892+50C>T (NM_001362953.2, NM_001362949.2, NM_001378627.1 and 7 more transcripts); c.289+50C>T (NM_001378631.1, NM_001378630.1).
Identifiers: ClinVar variation 95177 (VCV000095177.14), dbSNP rs62225294, ClinGen allele CA148289.